The following is an entry in ClinVar:

NM_001080453.3(INTS1):c.2662A>G (p.Met888Val)

Gene: INTS1 (integrator complex subunit 1; minus strand). Cytogenetic location: 7p22.3.
Variant type: single nucleotide variant.
Coding change: c.2662A>G on transcript NM_001080453.3 (MANE Select); coding-DNA position 2662, A replaced by G.
Protein change: p.Met888Val; replaces methionine 888 with valine.
Molecular consequence: missense variant.
Genome position (GRCh38, 1-based): chr7:1,487,086, T>C on the plus strand (A>G on the coding strand, the complement: INTS1 is on the minus strand). VCF-style: chr7-1487086-T-C. GRCh37 (hg19) VCF-style: chr7-1526722-T-C.
Other names: short protein forms M888V.
Identifiers: ClinVar variation 3029336 (VCV003029336.3), dbSNP rs1263916093, ClinGen allele CA366590293.

ClinVar aggregate classification (germline): Uncertain significance. Review status: criteria provided, single submitter (1 of 4 stars). 2 submissions from 2 submitters: Uncertain significance (1). 1 of the submissions does not count toward it. Last evaluated 2026-08-06.

Conditions:
Neurodevelopmental disorder with cataracts, poor growth, and dysmorphic facies. Identifiers: MedGen C5231414, MONDO:0032817, OMIM 618571.
INTS1-related disorder. Also called: INTS1-related condition.

Allele frequency attached by ClinVar (database versions not stated): gnomAD exomes below 0.00001; TOPMed below 0.00001.
gnomAD v4.1: 3 of 1,550,740 alleles (0.00019%); highest among the groups gnomAD compares: South Asian, 0.0012%; no homozygotes.

Submissions (2):

OLLIN Analises Genomicas, OLLIN
Classification: Uncertain significance for Neurodevelopmental disorder with cataracts, poor growth, and dysmorphic facies. Last evaluated: 2026-08-06. Review status: criteria provided, single submitter. Criteria: ACMG Guidelines 2015 PMID 25741868. Collection method: clinical testing. Allele origin: germline. Inheritance: Autosomal recessive inheritance.
Comment: This missense variant, located in exon 21 (of 48), has been reported in ClinVar (accession VCV003029336.2) and in gnomAD with an allele frequency of 0.00019%. However, to our knowledge, it has not been reported in the scientific literature. In silico analysis is inconclusive regarding the impact of this variant. According to the currently available evidence, this variant has been classified as uncertain significance (PM2_P).

PreventionGenetics, part of Exact Sciences
Classification: Uncertain significance for INTS1-related condition. Last evaluated: 2023-10-30. Review status: no assertion criteria provided. Collection method: clinical testing. Allele origin: germline. Not counted in ClinVar's aggregate classification.
Comment: The INTS1 c.2662A>G variant is predicted to result in the amino acid substitution p.Met888Val. To our knowledge, this variant has not been reported in the literature. This variant is reported in 0.0017% of alleles in individuals of European (Non-Finnish) descent in gnomAD. At this time, the clinical significance of this variant is uncertain due to the absence of conclusive functional and genetic evidence.